The following is an entry in ClinVar:

ClinVar aggregate classification (germline): Uncertain significance (1 of 4 stars; one submission).

Conditions:
Gastrointestinal stromal tumor. Also called: Gastrointestinal stroma tumor; Gastrointestinal stromal tumor, somatic. Identifiers: Orphanet 44890, MedGen C0238198, MeSH D046152, MONDO:0011719, OMIM 606764, HP:0100723.

Submission:

Labcorp Genetics (formerly Invitae), Labcorp
Classification: Uncertain significance for Gastrointestinal stromal tumor. Last evaluated: 2025-09-24. Review status: criteria provided, single submitter. Criteria: Invitae Variant Classification Sherloc (09022015). Collection method: clinical testing. Allele origin: germline.
Comment: This sequence change replaces glycine, which is neutral and non-polar, with valine, which is neutral and non-polar, at codon 51 of the PDGFRA protein (p.Gly51Val). This variant is not present in population databases (gnomAD no frequency). This variant has not been reported in the literature in individuals affected with PDGFRA-related conditions. Invitae Evidence Modeling of protein sequence and biophysical properties (such as structural, functional, and spatial information, amino acid conservation, physicochemical variation, residue mobility, and thermodynamic stability) indicates that this missense variant is not expected to disrupt PDGFRA protein function with a negative predictive value of 80%. In summary, the available evidence is currently insufficient to determine the role of this variant in disease. Therefore, it has been classified as a Variant of Uncertain Significance.

NM_006206.6(PDGFRA):c.152G>T (p.Gly51Val)

Gene: PDGFRA (platelet derived growth factor receptor alpha; plus strand). Cytogenetic location: 4q12.
Variant type: single nucleotide variant.
Coding change: c.152G>T on transcript NM_006206.6 (MANE Select); coding-DNA position 152, G replaced by T.
Protein change: p.Gly51Val; replaces glycine 51 with valine.
Molecular consequence: missense variant.
Genome position (GRCh38, 1-based): chr4:54,261,197, G>T. VCF-style: chr4-54261197-G-T. GRCh37 (hg19) VCF-style: chr4-55127364-G-T.
Other names: c.152G>T, p.Gly51Val (NM_001347827.2, NM_001347829.2); c.227G>T, p.Gly76Val (NM_001347828.2); c.191G>T, p.Gly64Val (NM_001347830.2); short protein forms G51V, G76V, G64V.
Identifiers: ClinVar variation 4780689 (VCV004780689.1).